The following is an entry in ClinVar:

NM_000051.4(ATM):c.7580T>C (p.Met2527Thr)

Genes: ATM (ATM serine/threonine kinase; plus strand), C11orf65 (chromosome 11 open reading frame 65; minus strand). Cytogenetic location: 11q22.3.
Variant type: single nucleotide variant.
Coding change: c.7580T>C on transcript NM_000051.4 (MANE Select); coding-DNA position 7580, T replaced by C.
Protein change: p.Met2527Thr; replaces methionine 2527 with threonine.
Molecular consequence: missense variant. On other transcripts: non-coding transcript variant (1), intron variant (2).
Genome position (GRCh38, 1-based): chr11:108,331,508, T>C. VCF-style: chr11-108331508-T-C. GRCh37 (hg19) VCF-style: chr11-108202235-T-C.
Other names: c.7580T>C, p.Met2527Thr (NM_001351834.2); c.641-22437A>G (NM_001330368.2); c.*38+3712A>G (NM_001351110.2); short protein forms M2527T.
Identifiers: ClinVar variation 3893743 (VCV003893743.1).

ClinVar aggregate classification (germline): Uncertain significance. Review status: criteria provided, multiple submitters, no conflicts (2 of 4 stars). 2 submissions from 2 submitters: Uncertain significance (2). Last evaluated 2025-02-25.

Conditions:
Ataxia-telangiectasia syndrome (AT). Also called: LOUIS-BAR SYNDROME; Cerebello-oculocutaneous telangiectasia; Immunodeficiency with ataxia telangiectasia; Ataxia-telangiectasia, complementation group D; AT, COMPLEMENTATION GROUP C; Ataxia telangiectasia (A-T). Identifiers: Orphanet 100, MedGen C0004135, MONDO:0008840, OMIM 208900.
Hereditary cancer-predisposing syndrome. Also called: Neoplastic Syndromes, Hereditary; Tumor predisposition; Hereditary Cancer Syndrome; Hereditary neoplastic syndrome. Identifiers: Orphanet 140162, MedGen C0027672, MeSH D009386, MONDO:0015356.

Submissions (2):

Labcorp Genetics (formerly Invitae), Labcorp
Classification: Uncertain significance for Ataxia-telangiectasia syndrome. Last evaluated: 2025-02-25. Review status: criteria provided, single submitter. Criteria: Invitae Variant Classification Sherloc (09022015). Collection method: clinical testing. Allele origin: germline.
Comment: This sequence change replaces methionine, which is neutral and non-polar, with threonine, which is neutral and polar, at codon 2527 of the ATM protein (p.Met2527Thr). This variant is not present in population databases (gnomAD no frequency). This variant has not been reported in the literature in individuals affected with ATM-related conditions. Invitae Evidence Modeling of protein sequence and biophysical properties (such as structural, functional, and spatial information, amino acid conservation, physicochemical variation, residue mobility, and thermodynamic stability) indicates that this missense variant is expected to disrupt ATM protein function with a positive predictive value of 95%. In summary, the available evidence is currently insufficient to determine the role of this variant in disease. Therefore, it has been classified as a Variant of Uncertain Significance.

Color Diagnostics, LLC DBA Color Health
Classification: Uncertain significance for Hereditary cancer-predisposing syndrome. Last evaluated: 2024-04-15. Review status: criteria provided, single submitter. Criteria: ACMG Guidelines, 2015. Collection method: clinical testing. Allele origin: germline.
Comment: This missense variant replaces methionine with threonine at codon 2527 of the ATM protein. Computational prediction suggests that this variant may have deleterious impact on protein structure and function (internally defined REVEL score threshold >= 0.7, PMID: 27666373). To our knowledge, functional studies have not been reported for this variant. This variant has not been reported in individuals affected with ATM-related disorders in the literature. This variant has not been identified in the general population by the Genome Aggregation Database (gnomAD). The available evidence is insufficient to determine the role of this variant in disease conclusively. Therefore, this variant is classified as a Variant of Uncertain Significance.